The following is an entry in ClinVar:

ClinVar aggregate classification (germline): Uncertain significance (1 of 4 stars; one submission).

Conditions:
CPE-related disorder. Also called: CPE-related condition.

gnomAD v4.1: 6 of 1,613,484 alleles (0.00037%); highest among the groups gnomAD compares: African/African-American, 0.0013%; no homozygotes.

Submission:

PreventionGenetics, part of Exact Sciences
Classification: Uncertain significance for CPE-related condition. Last evaluated: 2025-12-16. Review status: criteria provided, single submitter. Criteria: ACMG Guidelines, 2015. Collection method: clinical testing. Allele origin: germline.
Comment: The CPE c.1244T>C variant is predicted to result in the amino acid substitution p.Ile415Thr. To our knowledge, this variant has not been reported in the literature. This variant is reported in 0.00088% of alleles in individuals of European (Non-Finnish) descent in gnomAD. At this time, the clinical significance of this variant is uncertain due to the absence of conclusive functional and genetic evidence.

NM_001873.4(CPE):c.1244T>C (p.Ile415Thr)

Gene: CPE (carboxypeptidase E; plus strand). Cytogenetic location: 4q32.3.
Variant type: single nucleotide variant.
Coding change: c.1244T>C on transcript NM_001873.4 (MANE Select); coding-DNA position 1244, T replaced by C.
Protein change: p.Ile415Thr; replaces isoleucine 415 with threonine.
Molecular consequence: missense variant.
Genome position (GRCh38, 1-based): chr4:165,495,589, T>C. VCF-style: chr4-165495589-T-C. GRCh37 (hg19) VCF-style: chr4-166416741-T-C.
Other names: short protein forms I415T.
Identifiers: ClinVar variation 4978489 (VCV004978489.1).